The following is an entry in ClinVar:

ClinVar aggregate classification (germline): Uncertain significance. Review status: criteria provided, multiple submitters, no conflicts (2 of 4 stars). 3 submissions from 3 submitters: Uncertain significance (3). Last evaluated 2023-11-29.

Conditions:
Inborn genetic diseases. Identifiers: MedGen C0950123, MeSH D030342.

Allele frequency attached by ClinVar (database versions not stated): gnomAD exomes 0.00006 and 0.00007; ExAC 0.00007; ESP Exome Variant Server 0.00008; gnomAD 0.00011 and 0.00013; TOPMed 0.00016; 1000 Genomes Project 30x 0.00031; 1000 Genomes Project 0.00040.
gnomAD v4.1: 101 of 1,614,110 alleles (0.0063%); highest among the groups gnomAD compares: Admixed American, 0.025%; no homozygotes.

Submissions (3):

Ambry Genetics
Classification: Uncertain significance for Inborn genetic diseases. Last evaluated: 2023-11-29. Review status: criteria provided, single submitter. Criteria: Ambry Variant Classification Scheme 2023. Collection method: clinical testing. Allele origin: germline.

Labcorp Genetics (formerly Invitae), Labcorp
Classification: Uncertain significance. Last evaluated: 2022-06-14. Review status: criteria provided, single submitter. Criteria: Invitae Variant Classification Sherloc (09022015). Collection method: clinical testing. Allele origin: germline.
Comment: This sequence change replaces threonine, which is neutral and polar, with methionine, which is neutral and non-polar, at codon 1043 of the CNGB1 protein (p.Thr1043Met). This variant is present in population databases (rs200202348, gnomAD 0.01%). This variant has not been reported in the literature in individuals affected with CNGB1-related conditions. ClinVar contains an entry for this variant (Variation ID: 1014353). Advanced modeling of protein sequence and biophysical properties (such as structural, functional, and spatial information, amino acid conservation, physicochemical variation, residue mobility, and thermodynamic stability) performed at Invitae indicates that this missense variant is expected to disrupt CNGB1 protein function. In summary, the available evidence is currently insufficient to determine the role of this variant in disease. Therefore, it has been classified as a Variant of Uncertain Significance.

Blueprint Genetics
Classification: Uncertain significance. Last evaluated: 2020-12-01. Review status: criteria provided, single submitter. Criteria: ACMG Guidelines, 2015. Collection method: clinical testing. Allele origin: germline.

NM_001297.5(CNGB1):c.3128C>T (p.Thr1043Met)

Gene: CNGB1 (cyclic nucleotide gated channel subunit beta 1; minus strand). Cytogenetic location: 16q21.
Variant type: single nucleotide variant.
Coding change: c.3128C>T on transcript NM_001297.5 (MANE Select); coding-DNA position 3128, C replaced by T.
Protein change: p.Thr1043Met; replaces threonine 1043 with methionine.
Molecular consequence: missense variant.
Genome position (GRCh38, 1-based): chr16:57,897,511, G>A on the plus strand (C>T on the coding strand, the complement: CNGB1 is on the minus strand). VCF-style: chr16-57897511-G-A. GRCh37 (hg19) VCF-style: chr16-57931415-G-A.
Other names: c.3110C>T, p.Thr1037Met (NM_001286130.2); c.3128C>T (NM_001297.4); short protein forms T1037M, T1043M.
Identifiers: ClinVar variation 1014353 (VCV001014353.8), dbSNP rs200202348, ClinGen allele CA8082665.